The following is an entry in ClinVar:

ClinVar aggregate classification (germline): Uncertain significance. Review status: criteria provided, multiple submitters, no conflicts (2 of 4 stars). 2 submissions from 2 submitters: Uncertain significance (2). Last evaluated 2023-08-22.

Submissions (2):

Labcorp Genetics (formerly Invitae), Labcorp
Classification: Uncertain significance. Last evaluated: 2023-08-22. Review status: criteria provided, single submitter. Criteria: Invitae Variant Classification Sherloc (09022015). Collection method: clinical testing. Allele origin: germline.
Comment: In summary, the available evidence is currently insufficient to determine the role of this variant in disease. Therefore, it has been classified as a Variant of Uncertain Significance. ClinVar contains an entry for this variant (Variation ID: 1704994). This variant has not been reported in the literature in individuals affected with ARID1B-related conditions. The frequency data for this variant in the population databases is considered unreliable, as metrics indicate insufficient coverage at this position in the gnomAD database. This variant, c.1008_1013dup, results in the insertion of 2 amino acid(s) of the ARID1B protein (p.Gly337_Ala338dup), but otherwise preserves the integrity of the reading frame.

GeneDx
Classification: Uncertain significance. Last evaluated: 2022-03-08. Review status: criteria provided, single submitter. Criteria: GeneDx Variant Classification Process June 2021. Collection method: clinical testing. Allele origin: germline. Affected: yes.
Comment: Not observed at significant frequency in large population cohorts (gnomAD); In-frame insertion of 2 amino acids in a non-repeat region; Has not been previously published as pathogenic or benign to our knowledge

NM_001374828.1(ARID1B):c.1257_1262dup (p.Ala421_Val422insGlyAla)

Gene: ARID1B (AT-rich interaction domain 1B; plus strand). Cytogenetic location: 6q25.3.
Variant type: Duplication.
Coding change: c.1257_1262dup on transcript NM_001374828.1 (MANE Select); coding-DNA positions 1257 to 1262, 6 bases duplicated (GGGAGC; older notation c.1257_1262dupGGGAGC).
Protein change: p.Ala421_Val422insGlyAla.
Molecular consequence: inframe insertion. On other transcripts: inframe indel (3).
Genome position (GRCh38, 1-based): chr6:156,778,937-156,778,942, GGGAGC duplicated; duplicating any 6 consecutive bases within chr6:156,778,932-156,778,942 gives the same sequence; the c. name uses the placement nearest the transcript's 3' end. VCF-style (leftmost placement, unchanged base first): chr6-156778931-A-AGGAGCG. GRCh37 (hg19) VCF-style: chr6-157100065-A-AGGAGCG.
Other names: c.1008_1013dup, p.Ala338_Val339insGlyAla (NM_001346813.1, NM_020732.3); c.1257_1262dup, p.Ala421_Val422insGlyAla (NM_001371656.1, NM_001374820.1, NM_017519.3); c.834_839dup, p.Ala280_Val281insGlyAla (NM_175863.2).
Identifiers: ClinVar variation 1704994 (VCV001704994.5), dbSNP rs1778935469, ClinGen allele CA1675343870.